The following is an entry in ClinVar:

NM_020937.4(FANCM):c.3783A>G (p.Gly1261=)

Gene: FANCM (FA complementation group M; plus strand). Cytogenetic location: 14q21.2.
Variant type: single nucleotide variant.
Coding change: c.3783A>G on transcript NM_020937.4 (MANE Select); coding-DNA position 3783, A replaced by G.
Protein change: p.Gly1261=; no amino-acid change (glycine 1261 retained).
Molecular consequence: synonymous variant.
Genome position (GRCh38, 1-based): chr14:45,176,537, A>G. VCF-style: chr14-45176537-A-G. GRCh37 (hg19) VCF-style: chr14-45645740-A-G.
Other names: c.3705A>G, p.Gly1235= (NM_001308133.2).
Identifiers: ClinVar variation 2681927 (VCV002681927.6), dbSNP rs2503194551, ClinGen allele CA486347189.

ClinVar aggregate classification (germline): Conflicting classifications of pathogenicity. Review status: criteria provided, conflicting classifications (1 of 4 stars). 3 submissions from 3 submitters: Uncertain significance (1); Likely benign (2). Last evaluated 2025-11-12.

Conditions:
Fanconi anemia (FA). Also called: Fanconi's anemia. Identifiers: Orphanet 84, MedGen C0015625, MeSH D005199, MONDO:0019391.
Inborn genetic diseases. Identifiers: MedGen C0950123, MeSH D030342.

Submissions (3):

Ambry Genetics
Classification: Likely benign for Inborn genetic diseases. Last evaluated: 2025-11-12. Review status: criteria provided, single submitter. Criteria: Ambry Variant Classification Scheme 2023. Collection method: clinical testing. Allele origin: germline.

Quest Diagnostics Nichols Institute San Juan Capistrano
Classification: Uncertain significance. Last evaluated: 2024-09-08. Review status: criteria provided, single submitter. Criteria: Quest Diagnostics criteria. Collection method: clinical testing. Allele origin: unknown.
Comment: The FANCM c.3783A>G (p.Gly1261=) synonymous variant has not been reported in individuals with FANCM-related conditions in the published literature. It also has not been reported in large, multi-ethnic general populations (Genome Aggregation Database). Analysis of this variant using software algorithms for the prediction of the effect of nucleotide changes on splicing yielded predictions that this variant does not affect FANCM mRNA splicing. Based on the available information, we are unable to determine the clinical significance of this variant.

Labcorp Genetics (formerly Invitae), Labcorp
Classification: Likely benign for Fanconi anemia. Last evaluated: 2023-09-14. Review status: criteria provided, single submitter. Criteria: Invitae Variant Classification Sherloc (09022015). Collection method: clinical testing. Allele origin: germline.